The following is an entry in ClinVar:

ClinVar aggregate classification (germline): Uncertain significance (1 of 4 stars; one submission).

Allele frequency attached by ClinVar (database versions not stated): gnomAD exomes below 0.00001.
gnomAD v4.1: 2 of 1,614,004 alleles (0.00012%); highest among the groups gnomAD compares: South Asian, 0.0011%; no homozygotes.

Submission:

Labcorp Genetics (formerly Invitae), Labcorp
Classification: Uncertain significance. Last evaluated: 2022-06-27. Review status: criteria provided, single submitter. Criteria: Invitae Variant Classification Sherloc (09022015). Collection method: clinical testing. Allele origin: germline.
Comment: Algorithms developed to predict the effect of missense changes on protein structure and function are either unavailable or do not agree on the potential impact of this missense change (SIFT: "Tolerated"; PolyPhen-2: "Probably Damaging"; Align-GVGD: "Class C0"). In summary, the available evidence is currently insufficient to determine the role of this variant in disease. Therefore, it has been classified as a Variant of Uncertain Significance. This variant has not been reported in the literature in individuals affected with GALNT3-related conditions. This variant is present in population databases (no rsID available, gnomAD 0.003%). This sequence change replaces glutamic acid, which is acidic and polar, with lysine, which is basic and polar, at codon 340 of the GALNT3 protein (p.Glu340Lys).

NM_004482.4(GALNT3):c.1018G>A (p.Glu340Lys)

Gene: GALNT3 (polypeptide N-acetylgalactosaminyltransferase 3; minus strand). Cytogenetic location: 2q24.3.
Variant type: single nucleotide variant.
Coding change: c.1018G>A on transcript NM_004482.4 (MANE Select); coding-DNA position 1018, G replaced by A.
Protein change: p.Glu340Lys; replaces glutamic acid 340 with lysine.
Molecular consequence: missense variant.
Genome position (GRCh38, 1-based): chr2:165,759,391, C>T on the plus strand (G>A on the coding strand, the complement: GALNT3 is on the minus strand). VCF-style: chr2-165759391-C-T. GRCh37 (hg19) VCF-style: chr2-166615901-C-T.
Other names: short protein forms E340K.
Identifiers: ClinVar variation 1417154 (VCV001417154.6), dbSNP rs1242226743, ClinGen allele CA349037186.